The following is an entry in ClinVar:

NM_001391906.1(EIF4G3):c.-331G>A

Gene: EIF4G3 (eukaryotic translation initiation factor 4 gamma 3; minus strand). Cytogenetic location: 1p36.12.
Variant type: single nucleotide variant.
Coding change: c.-331G>A on transcript NM_001391906.1 (MANE Select); 331 bases upstream of the start codon, G replaced by A.
Molecular consequence: 5 prime UTR variant. On other transcripts: intron variant (6).
Genome position (GRCh38, 1-based): chr1:21,176,234, C>T on the plus strand (G>A on the coding strand, the complement: EIF4G3 is on the minus strand). VCF-style: chr1-21176234-C-T. GRCh37 (hg19) VCF-style: chr1-21502727-C-T.
Other names: c.-331G>A (NM_001198801.3, NM_001198802.3, NM_001391892.1 and 9 more transcripts); c.-601G>A (NM_001391897.1); c.-196+488G>A (NM_001391899.1, NM_001391893.1); c.-272+488G>A (NM_001391903.1); c.-333+488G>A (NM_001391894.1, NM_001391905.1, NM_001438678.1).
Identifiers: ClinVar variation 5040803 (VCV005040803.1).
Genomic context (GRCh38, chr1:21,176,234, plus strand): 5'-CTGTTGGGGCGCCTGAGTCTGGAGGGCCCTGATGTTCGGGTGAGGAGGGGGGACCGCTGC[C>T]GCCGCCGCCGCCGCCGCCGCCGCCGCCGCCGCTGCTGCCGCCGCCGGGTGAGGAGGCGGT-3'

ClinVar aggregate classification (germline): Likely benign (1 of 4 stars; one submission).

gnomAD v4.1: 55 of 121,402 alleles (0.045%); highest among the groups gnomAD compares: Non-Finnish European, 0.081%; no homozygotes.

Submission:

CeGaT Center for Human Genetics Tuebingen
Classification: Likely benign. Last evaluated: 2026-09-01. Review status: criteria provided, single submitter. Criteria: CeGaT Center For Human Genetics Tuebingen Variant Classification Criteria Version 2. Collection method: clinical testing. Allele origin: germline. Affected: yes. Observed: 1 variant allele.
Comment: EIF4G3: BP4, BP7